The following is an entry in ClinVar:

ClinVar aggregate classification (germline): Conflicting classifications of pathogenicity. Review status: criteria provided, conflicting classifications (1 of 4 stars). 5 submissions from 5 submitters: Uncertain significance (3); Likely benign (1). 1 of the submissions does not count toward it. Last evaluated 2024-10-19.

Conditions:
Fanconi anemia (FA). Also called: Fanconi's anemia. Identifiers: Orphanet 84, MedGen C0015625, MeSH D005199, MONDO:0019391.
Fanconi anemia complementation group G. Also called: Fanconi anemia group G; FANCG-Related Fanconi Anemia. Identifiers: Orphanet 84, MedGen C3469527, MONDO:0013565, OMIM 614082.

Allele frequency attached by ClinVar (database versions not stated): gnomAD 0.00004; TOPMed 0.00005; gnomAD exomes 0.00006; ExAC 0.00008; ESP Exome Variant Server 0.00008.

Submissions (5):

Labcorp Genetics (formerly Invitae), Labcorp
Classification: Uncertain significance for Fanconi anemia. Last evaluated: 2024-10-19. Review status: criteria provided, single submitter. Criteria: Invitae Variant Classification Sherloc (09022015). Collection method: clinical testing. Allele origin: germline.
Comment: This sequence change replaces arginine, which is basic and polar, with histidine, which is basic and polar, at codon 155 of the FANCG protein (p.Arg155His). This variant is present in population databases (rs201099560, gnomAD 0.05%). This missense change has been observed in individual(s) with stomach cancer (PMID: 26689913). ClinVar contains an entry for this variant (Variation ID: 456236). Invitae Evidence Modeling of protein sequence and biophysical properties (such as structural, functional, and spatial information, amino acid conservation, physicochemical variation, residue mobility, and thermodynamic stability) indicates that this missense variant is not expected to disrupt FANCG protein function with a negative predictive value of 80%. In summary, the available evidence is currently insufficient to determine the role of this variant in disease. Therefore, it has been classified as a Variant of Uncertain Significance.

Blueprint Genetics
Classification: Likely benign. Last evaluated: 2024-08-02. Review status: criteria provided, single submitter. Criteria: ACMG Guidelines, 2015. Collection method: clinical testing. Allele origin: germline.

Fulgent Genetics
Classification: Uncertain significance for Fanconi anemia complementation group G. Last evaluated: 2024-06-17. Review status: criteria provided, single submitter. Criteria: ACMG Guidelines, 2015. Collection method: clinical testing. Allele origin: germline.

St. Jude Molecular Pathology, St. Jude Children's Research Hospital
Classification: Uncertain significance for Fanconi anemia complementation group G. Last evaluated: 2022-05-04. Review status: criteria provided, single submitter. Criteria: St. Jude Assertion Criteria 2020. Collection method: clinical testing. Allele origin: germline.
Comment: The FANCG c.464G>A (p.Arg155His) missense change has a maximum subpopulation frequency of 0.050% in gnomAD v2.1.1. It is predicted to have a benign effect on protein function (BP4), but to our knowledge this prediction has not been confirmed by functional studies. To our knowledge, this variant has not been reported in individuals with Fanconi anemia. In summary, this variant meets criteria to be classified as of uncertain significance based on the ACMG/AMP criteria: BP4.

Natera, Inc.
Classification: Uncertain significance for Fanconi anemia group G. Last evaluated: 2020-09-16. Review status: no assertion criteria provided. Collection method: clinical testing. Allele origin: germline. Not counted in ClinVar's aggregate classification.

Literature cited by the submitters: PubMed 26689913 (cited by Labcorp Genetics (formerly Invitae), Labcorp).

NM_004629.2(FANCG):c.464G>A (p.Arg155His)

Gene: FANCG (FA complementation group G; minus strand). Cytogenetic location: 9p13.3.
Variant type: single nucleotide variant.
Coding change: c.464G>A on transcript NM_004629.2 (MANE Select); coding-DNA position 464, G replaced by A.
Protein change: p.Arg155His; replaces arginine 155 with histidine.
Molecular consequence: missense variant.
Genome position (GRCh38, 1-based): chr9:35,078,187, C>T on the plus strand (G>A on the coding strand, the complement: FANCG is on the minus strand). VCF-style: chr9-35078187-C-T. GRCh37 (hg19) VCF-style: chr9-35078184-C-T.
Other names: short protein forms R155H.
Identifiers: ClinVar variation 456236 (VCV000456236.14), dbSNP rs201099560, ClinGen allele CA5040041.